The following is an entry in ClinVar:

NM_001291303.3(FAT4):c.2158A>G (p.Thr720Ala)

Gene: FAT4 (FAT atypical cadherin 4; plus strand). Cytogenetic location: 4q28.1.
Variant type: single nucleotide variant.
Coding change: c.2158A>G on transcript NM_001291303.3 (MANE Select); coding-DNA position 2158, A replaced by G.
Protein change: p.Thr720Ala; replaces threonine 720 with alanine.
Molecular consequence: missense variant.
Genome position (GRCh38, 1-based): chr4:125,318,569, A>G. VCF-style: chr4-125318569-A-G. GRCh37 (hg19) VCF-style: chr4-126239724-A-G.
Other names: c.2158A>G, p.Thr720Ala (NM_001291285.3, NM_024582.6); c.2158A>G (NM_024582.5); short protein forms T720A.
Identifiers: ClinVar variation 1212808 (VCV001212808.12), dbSNP rs367762836, ClinGen allele CA3072121.

ClinVar aggregate classification (germline): Uncertain significance. Review status: criteria provided, multiple submitters, no conflicts (2 of 4 stars). 4 submissions from 4 submitters: Uncertain significance (4). Last evaluated 2024-12-18.

Conditions:
Hennekam lymphangiectasia-lymphedema syndrome 2 (HKLLS2). Identifiers: Orphanet 2136, MedGen C4014939, MONDO:0014454, OMIM 616006.
Van Maldergem syndrome 2 (VMLDS2). Identifiers: Orphanet 314679, MedGen C3809875, MONDO:0014242, OMIM 615546.
Inborn genetic diseases. Identifiers: MedGen C0950123, MeSH D030342.

Allele frequency attached by ClinVar (database versions not stated): gnomAD 0.00001; gnomAD exomes 0.00001 and 0.00002; ExAC 0.00002; 1000 Genomes Project 30x 0.00016; 1000 Genomes Project 0.00020.
gnomAD v4.1: 15 of 1,614,218 alleles (0.00093%); highest among the groups gnomAD compares: East Asian, 0.0089%; no homozygotes.

Submissions (4):

Labcorp Genetics (formerly Invitae), Labcorp
Classification: Uncertain significance. Last evaluated: 2024-12-18. Review status: criteria provided, single submitter. Criteria: Invitae Variant Classification Sherloc (09022015). Collection method: clinical testing. Allele origin: germline.
Comment: This sequence change replaces threonine, which is neutral and polar, with alanine, which is neutral and non-polar, at codon 720 of the FAT4 protein (p.Thr720Ala). This variant is present in population databases (rs367762836, gnomAD 0.006%). This variant has not been reported in the literature in individuals affected with FAT4-related conditions. ClinVar contains an entry for this variant (Variation ID: 1212808). Invitae Evidence Modeling of protein sequence and biophysical properties (such as structural, functional, and spatial information, amino acid conservation, physicochemical variation, residue mobility, and thermodynamic stability) indicates that this missense variant is not expected to disrupt FAT4 protein function with a negative predictive value of 80%. In summary, the available evidence is currently insufficient to determine the role of this variant in disease. Therefore, it has been classified as a Variant of Uncertain Significance.

Fulgent Genetics
Classification: Uncertain significance for Van Maldergem syndrome 2; Hennekam lymphangiectasia-lymphedema syndrome 2. Last evaluated: 2024-02-14. Review status: criteria provided, single submitter. Criteria: ACMG Guidelines, 2015. Collection method: clinical testing. Allele origin: germline.

Ambry Genetics
Classification: Uncertain significance for Inborn genetic diseases. Last evaluated: 2023-05-17. Review status: criteria provided, single submitter. Criteria: Ambry Variant Classification Scheme 2023. Collection method: clinical testing. Allele origin: germline.

GeneDx
Classification: Uncertain significance. Last evaluated: 2019-12-02. Review status: criteria provided, single submitter. Criteria: GeneDx Variant Classification Process June 2021. Collection method: clinical testing. Allele origin: germline. Affected: yes.
Comment: Not observed at a significant frequency in large population cohorts (Lek et al., 2016); In silico analysis, which includes protein predictors and evolutionary conservation, supports that this variant does not alter protein structure/function; Has not been previously published as pathogenic or benign to our knowledge